The following is an entry in ClinVar:

ClinVar aggregate classification (germline): Uncertain significance (1 of 4 stars; one submission).

Allele frequency attached by ClinVar (database versions not stated): ExAC 0.00001; gnomAD exomes 0.00001 and 0.00003; gnomAD 0.00003 and 0.00004; TOPMed 0.00003.

Submission:

Labcorp Genetics (formerly Invitae), Labcorp
Classification: Uncertain significance. Last evaluated: 2020-08-05. Review status: criteria provided, single submitter. Criteria: Invitae Variant Classification Sherloc (09022015). Collection method: clinical testing. Allele origin: germline.
Comment: In summary, the available evidence is currently insufficient to determine the role of this variant in disease. Therefore, it has been classified as a Variant of Uncertain Significance. Nucleotide substitutions within the consensus splice site are a relatively common cause of aberrant splicing (PMID: 17576681, 9536098). Algorithms developed to predict the effect of sequence changes on RNA splicing suggest that this variant may disrupt the consensus splice site, but this prediction has not been confirmed by published transcriptional studies. This variant has not been reported in the literature in individuals with CYP24A1-related conditions. The frequency data for this variant in the population databases is considered unreliable, as metrics indicate poor data quality at this position in the ExAC database. This sequence change falls in intron 8 of the CYP24A1 gene. It does not directly change the encoded amino acid sequence of the CYP24A1 protein, but it affects a nucleotide within the consensus splice site of the intron.

Literature cited by the submitters: PubMed 17576681; PubMed 9536098.

NM_000782.5(CYP24A1):c.1157+5G>A

Gene: CYP24A1 (cytochrome P450 family 24 subfamily A member 1; minus strand). Cytogenetic location: 20q13.2.
Variant type: single nucleotide variant.
Coding change: c.1157+5G>A on transcript NM_000782.5 (MANE Select); 5 bases into the intron after coding-DNA position 1157, G replaced by A.
Molecular consequence: intron variant.
Genome position (GRCh38, 1-based): chr20:54,158,952, C>T on the plus strand (G>A on the coding strand, the complement: CYP24A1 is on the minus strand). VCF-style: chr20-54158952-C-T. GRCh37 (hg19) VCF-style: chr20-52775491-C-T.
Other names: c.1157+5G>A (NM_001128915.2).
Identifiers: ClinVar variation 1059874 (VCV001059874.7), dbSNP rs745557349, ClinGen allele CA9915887.
Genomic context (GRCh38, chr20:54,158,952, plus strand): 5'-CTTGTTTTGTGTTTACGAGAACAGTGTTCTAACACATTTATATTGGCTCAGAGATAGGCT[C>T]TTACCTCATAGATTCTTTCAGACAGGCTTTTAAATACGGCATATTCCTCAAATCTTCTGC-3'